The following is an entry in ClinVar:

ClinVar aggregate classification (germline): Benign/Likely benign. Review status: criteria provided, multiple submitters, no conflicts (2 of 4 stars). 4 submissions from 4 submitters: Benign (1); Likely benign (3). Last evaluated 2026-08-05.

Conditions:
Hereditary pheochromocytoma and paraganglioma. Also called: Hereditary paragangliomas and pheochromocytomas; Hereditary Paraganglioma-Pheochromocytoma Syndromes; Hereditary pheochromocytoma-paraganglioma. Identifiers: Orphanet 29072, MedGen C4274332, MONDO:0017366.
Pheochromocytoma/paraganglioma syndrome 2. Also called: SDHAF2-Related Hereditary Paraganglioma-Pheochromocytoma Syndrome; GLOMUS TUMORS, FAMILIAL, 2; Paragangliomas 2; SDHAF2-Related Hereditary Paraganglioma-Pheochromocytoma Syndrome (Paragangliomas 2). Identifiers: Orphanet 29072, MedGen C1866552, MONDO:0011121, OMIM 601650.
Hereditary cancer-predisposing syndrome. Also called: Hereditary Cancer Syndrome; Hereditary neoplastic syndrome; Neoplastic Syndromes, Hereditary; Tumor predisposition. Identifiers: Orphanet 140162, MedGen C0027672, MeSH D009386, MONDO:0015356.

Allele frequency attached by ClinVar (database versions not stated): ExAC 0.00001; gnomAD exomes below 0.00001.

Submissions (4):

Myriad Genetics, Inc.
Classification: Benign for Pheochromocytoma/paraganglioma syndrome 2. Last evaluated: 2026-08-05. Review status: criteria provided, single submitter. Criteria: Myriad Autosomal Dominant, Autosomal Recessive and X-Linked Classification Criteria (2023). Collection method: clinical testing. Allele origin: unknown.
Comment: This variant is considered benign. This variant is a silent/synonymous amino acid change and it is not expected to impact splicing.

Labcorp Genetics (formerly Invitae), Labcorp
Classification: Likely benign for Hereditary pheochromocytoma and paraganglioma. Last evaluated: 2025-07-03. Review status: criteria provided, single submitter. Criteria: Invitae Variant Classification Sherloc (09022015). Collection method: clinical testing. Allele origin: germline.

All of Us Research Program, National Institutes of Health
Classification: Likely benign for Hereditary pheochromocytoma and paraganglioma. Last evaluated: 2023-11-20. Review status: criteria provided, single submitter. Criteria: ACMG Guidelines, 2015. Collection method: clinical testing. Allele origin: germline. Inheritance: Autosomal dominant inheritance. Observed: 1 variant allele, 1 heterozygote.
Comment: This study involves interpretation of variants in research participants for the purpose of population health screening. Participant phenotype was not available at the time of variant classification. Additional details can be found in publication PMID: 35346344, PMCID: PMC8962531

Ambry Genetics
Classification: Likely benign for Hereditary cancer-predisposing syndrome. Last evaluated: 2020-03-17. Review status: criteria provided, single submitter. Criteria: Ambry Variant Classification Scheme 2023. Collection method: clinical testing. Allele origin: germline.

NM_017841.4(SDHAF2):c.198A>G (p.Lys66=)

Gene: SDHAF2 (succinate dehydrogenase complex assembly factor 2; plus strand). Cytogenetic location: 11q12.2.
Variant type: single nucleotide variant.
Coding change: c.198A>G on transcript NM_017841.4 (MANE Select); coding-DNA position 198, A replaced by G.
Protein change: p.Lys66=; no amino-acid change (lysine 66 retained).
Molecular consequence: synonymous variant.
Genome position (GRCh38, 1-based): chr11:61,437,786, A>G. VCF-style: chr11-61437786-A-G. GRCh37 (hg19) VCF-style: chr11-61205258-A-G.
Identifiers: ClinVar variation 1083101 (VCV001083101.13), dbSNP rs760482747, ClinGen allele CA057922.